The following is an entry in ClinVar:

NM_005458.8(GABBR2):c.150G>A (p.Pro50=)

Gene: GABBR2 (gamma-aminobutyric acid type B receptor subunit 2; minus strand). Cytogenetic location: 9q22.33.
Variant type: single nucleotide variant.
Coding change: c.150G>A on transcript NM_005458.8 (MANE Select); coding-DNA position 150, G replaced by A.
Protein change: p.Pro50=; no amino-acid change (proline 50 retained).
Molecular consequence: synonymous variant.
Genome position (GRCh38, 1-based): chr9:98,708,588, C>T on the plus strand (G>A on the coding strand, the complement: GABBR2 is on the minus strand). VCF-style: chr9-98708588-C-T. GRCh37 (hg19) VCF-style: chr9-101470870-C-T.
Identifiers: ClinVar variation 4689702 (VCV004689702.1).

ClinVar aggregate classification (germline): Likely benign (1 of 4 stars; one submission).

Submission:

Women's Health and Genetics/Laboratory Corporation of America, LabCorp
Classification: Likely benign. Last evaluated: 2026-01-02. Review status: criteria provided, single submitter. Criteria: LabCorp Variant Classification Summary - May 2015. Collection method: clinical testing. Allele origin: germline.
Comment: Variant summary: GABBR2 c.150G>A alters a conserved nucleotide resulting in a synonymous change. Consensus agreement among computation tools predict no significant impact on normal splicing. However, these predictions have yet to be confirmed by functional studies. The frequency data for this variant in gnomAD is considered unreliable, as metrics indicate poor data quality at this position. To our knowledge, no occurrence of c.150G>A in individuals affected with GABBR2-related conditions and no experimental evidence demonstrating its impact on protein function have been reported. No submitters have cited clinical-significance assessments for this variant to ClinVar. Based on the evidence outlined above, the variant was classified as likely benign.